The following is an entry in ClinVar:

ClinVar aggregate classification (germline): Pathogenic/Likely pathogenic. Review status: criteria provided, multiple submitters, no conflicts (2 of 4 stars). 11 submissions from 11 submitters: Pathogenic (6); Likely pathogenic (1). 4 of the submissions do not count toward it. Last evaluated 2025-12-05.

Conditions:
Intellectual disability. Also called: Intellectual developmental disorder; Intellectual functioning disability; intellectual disabilities. Identifiers: MedGen C3714756, MeSH D008607, MONDO:0001071, HP:0001249.
Bainbridge-Ropers syndrome. Also called: Severe feeding difficulties-failure to thrive-microcephaly due to ASXL3 deficiency syndrome. Identifiers: Orphanet 352577, MedGen C4750837, MONDO:0014205, OMIM 615485.
Inborn genetic diseases. Identifiers: MedGen C0950123, MeSH D030342.

Submissions (11):

3billion
Classification: Pathogenic for Bainbridge-Ropers syndrome. Last evaluated: 2025-12-05. Review status: criteria provided, single submitter. Criteria: ACMG Guidelines, 2015. Collection method: clinical testing. Allele origin: germline. Affected: yes.
Comment: The variant is not observed in the gnomAD v4.1.0 dataset. Predicted Consequence/Location: Stop-gained (nonsense): predicted to result in a loss or disruption of normal protein function through protein truncation. The predicted truncated protein may be shortened by more than 10%. Functional studies provide moderate evidence of the variant having a damaging effect on the gene or gene product (PMID: 26647312). The variant has been previously reported as de novo in at least two similarly affected unrelated individuals (PMID: 26647312, 28100473). The variant has been reported at least twice as pathogenic with clinical assertions and evidence for the classification (ClinVar ID: VCV000520661 /PMID: 26647312). Therefore, this variant is classified as Pathogenic according to the recommendation of ACMG/AMP guideline.

Medgenome Labs Ltd
Classification: Pathogenic for Bainbridge-Ropers syndrome. Last evaluated: 2025-01-30. Review status: criteria provided, single submitter. Criteria: ACMG Guidelines, 2015. Collection method: clinical testing. Allele origin: germline. Affected: yes.

Greenwood Genetic Center Diagnostic Laboratories, Greenwood Genetic Center
Classification: Pathogenic for Bainbridge-Ropers syndrome. Last evaluated: 2024-10-28. Review status: criteria provided, single submitter. Criteria: ACMG Guidelines, 2015. Collection method: clinical testing. Allele origin: germline. Affected: yes.
Comment: PVS1_Strong, PS2, PS4, PM2

GeneDx
Classification: Pathogenic. Last evaluated: 2023-09-27. Review status: criteria provided, single submitter. Criteria: GeneDx Variant Classification Process June 2021. Collection method: clinical testing. Allele origin: germline. Affected: yes.
Comment: Nonsense variant in the C-terminus predicted to result in protein truncation, as the last 805 amino acids are lost, and other loss-of-function variants have been reported downstream in the Human Gene Mutation Database (HGMD); Not observed in large population cohorts (gnomAD); This variant is associated with the following publications: (PMID: 29367179, 34436830, 28100473, 26647312, 30508507)

Institute of Human Genetics Munich, TUM University Hospital
Classification: Pathogenic for Bainbridge-Ropers syndrome. Last evaluated: 2023-01-21. Review status: criteria provided, single submitter. Criteria: Classification criteria August 2017. Collection method: clinical testing. Allele origin: germline. Inheritance: Autosomal dominant inheritance. Affected: yes. Observed: 1 variant allele.

Ambry Genetics
Classification: Likely pathogenic for Inborn genetic diseases. Last evaluated: 2019-01-29. Review status: criteria provided, single submitter. Criteria: Ambry exome assertion method (8-5-2015). Collection method: clinical testing. Allele origin: germline. Affected: yes. Observed: 1 variant allele.

Baylor Genetics
Classification: Pathogenic for Bainbridge-Ropers syndrome. Last evaluated: 2017-09-01. Review status: criteria provided, single submitter. Criteria: ACMG Guidelines, 2015. Collection method: clinical testing. Allele origin: de novo. Inheritance: Autosomal dominant inheritance. Affected: yes.
Comment: This nonsense mutation is categorized as deleterious according to ACMG guidelines (PMID:18414213).

OMIM
Classification: Pathogenic for BAINBRIDGE-ROPERS SYNDROME. Last evaluated: 2020-01-08. Review status: no assertion criteria provided. Collection method: literature only. Allele origin: germline. Not counted in ClinVar's aggregate classification.

Diagnostic Laboratory, Strasbourg University Hospital
Classification: Pathogenic for Intellectual disability. Last evaluated: 2017-12-01. Review status: no assertion criteria provided. Collection method: clinical testing. Allele origin: de novo. Affected: yes. Observed: 1 heterozygote. Not counted in ClinVar's aggregate classification.

Clinical Genetics DNA and cytogenetics Diagnostics Lab, Erasmus MC, Erasmus Medical Center
Classification: Pathogenic. Review status: no assertion criteria provided. Collection method: clinical testing. Allele origin: germline. Affected: yes. Study: VKGL Data-share Consensus. Not counted in ClinVar's aggregate classification.

Laboratory of Diagnostic Genome Analysis, Leiden University Medical Center (LUMC)
Classification: Pathogenic. Review status: no assertion criteria provided. Collection method: clinical testing. Allele origin: germline. Affected: yes. Study: VKGL Data-share Consensus. Not counted in ClinVar's aggregate classification.

Literature cited by the submitters: PubMed 26647312 (cited by 3 submitters); PubMed 28100473 (cited by 3 submitters); PubMed 31180560 (cited by Ambry Genetics); PubMed 25326635 (cited by Baylor Genetics).

NM_030632.3(ASXL3):c.4330C>T (p.Arg1444Ter)

Gene: ASXL3 (ASXL transcriptional regulator 3; plus strand). Cytogenetic location: 18q12.1.
Variant type: single nucleotide variant.
Coding change: c.4330C>T on transcript NM_030632.3 (MANE Select); coding-DNA position 4330, C replaced by T.
Protein change: p.Arg1444Ter; replaces arginine 1444 with a stop codon.
Molecular consequence: nonsense.
Genome position (GRCh38, 1-based): chr18:33,744,178, C>T. VCF-style: chr18-33744178-C-T. GRCh37 (hg19) VCF-style: chr18-31324142-C-T.
Other names: short protein forms R1444*.
Identifiers: ClinVar variation 520661 (VCV000520661.17), dbSNP rs1555744282, ClinGen allele CA402190683.